The following is an entry in ClinVar:

NM_025074.7(FRAS1):c.982-2A>C

Gene: FRAS1 (Fraser extracellular matrix complex subunit 1; plus strand). Cytogenetic location: 4q21.21.
Variant type: single nucleotide variant.
Coding change: c.982-2A>C on transcript NM_025074.7 (MANE Select); the canonical splice acceptor site of the intron before coding-DNA position 982, A replaced by C.
Molecular consequence: splice acceptor variant.
Genome position (GRCh38, 1-based): chr4:78,278,653, A>C. VCF-style: chr4-78278653-A-C. GRCh37 (hg19) VCF-style: chr4-79199807-A-C.
Other names: c.982-2A>C (NM_001166133.2).
Identifiers: ClinVar variation 2872496 (VCV002872496.3), dbSNP rs2476575208, ClinGen allele CA357365210.

ClinVar aggregate classification (germline): Likely pathogenic (1 of 4 stars; one submission).

Submission:

Labcorp Genetics (formerly Invitae), Labcorp
Classification: Likely pathogenic. Last evaluated: 2023-04-06. Review status: criteria provided, single submitter. Criteria: Invitae Variant Classification Sherloc (09022015). Collection method: clinical testing. Allele origin: germline.
Comment: This sequence change affects an acceptor splice site in intron 9 of the FRAS1 gene. It is expected to disrupt RNA splicing. Variants that disrupt the donor or acceptor splice site typically lead to a loss of protein function (PMID: 16199547), and loss-of-function variants in FRAS1 are known to be pathogenic (PMID: 12766769, 18671281). This variant is not present in population databases (gnomAD no frequency). This variant has not been reported in the literature in individuals affected with FRAS1-related conditions. Algorithms developed to predict the effect of sequence changes on RNA splicing suggest that this variant may disrupt the consensus splice site. In summary, the currently available evidence indicates that the variant is pathogenic, but additional data are needed to prove that conclusively. Therefore, this variant has been classified as Likely Pathogenic.

Literature cited by the submitters: PubMed 16199547; PubMed 12766769; PubMed 18671281.